The following is an entry in ClinVar:

NM_000391.4(TPP1):c.550C>T (p.Gln184Ter)

Gene: TPP1 (tripeptidyl peptidase 1; minus strand). Cytogenetic location: 11p15.4.
Variant type: single nucleotide variant.
Coding change: c.550C>T on transcript NM_000391.4 (MANE Select); coding-DNA position 550, C replaced by T.
Protein change: p.Gln184Ter; replaces glutamine 184 with a stop codon.
Molecular consequence: nonsense.
Genome position (GRCh38, 1-based): chr11:6,617,112, G>A on the plus strand (C>T on the coding strand, the complement: TPP1 is on the minus strand). VCF-style: chr11-6617112-G-A. GRCh37 (hg19) VCF-style: chr11-6638343-G-A.
Other names: short protein forms Q184*.
Identifiers: ClinVar variation 2130545 (VCV002130545.4), dbSNP rs2493799507, ClinGen allele CA379475583.

ClinVar aggregate classification (germline): Pathogenic (1 of 4 stars; one submission).

Submission:

Labcorp Genetics (formerly Invitae), Labcorp
Classification: Pathogenic. Last evaluated: 2022-09-26. Review status: criteria provided, single submitter. Criteria: Invitae Variant Classification Sherloc (09022015). Collection method: clinical testing. Allele origin: germline.
Comment: This sequence change creates a premature translational stop signal (p.Gln184*) in the TPP1 gene. It is expected to result in an absent or disrupted protein product. Loss-of-function variants in TPP1 are known to be pathogenic (PMID: 10330339). This variant is not present in population databases (gnomAD no frequency). This variant has not been reported in the literature in individuals affected with TPP1-related conditions. For these reasons, this variant has been classified as Pathogenic.

Literature cited by the submitters: PubMed 10330339.